The following is an entry in ClinVar:

NM_203290.4(POLR1C):c.1000C>T (p.Arg334Trp)

Gene: POLR1C (RNA polymerase I and III subunit C; plus strand). Cytogenetic location: 6p21.1.
Variant type: single nucleotide variant.
Coding change: c.1000C>T on transcript NM_203290.4 (MANE Select); coding-DNA position 1000, C replaced by T.
Protein change: p.Arg334Trp; replaces arginine 334 with tryptophan.
Molecular consequence: missense variant. On other transcripts: intron variant (2).
Genome position (GRCh38, 1-based): chr6:43,521,259, C>T. VCF-style: chr6-43521259-C-T. GRCh37 (hg19) VCF-style: chr6-43488997-C-T.
Other names: c.922+211C>T (NM_001318876.2, NM_001363658.2); short protein forms R334W.
Identifiers: ClinVar variation 2419210 (VCV002419210.5), dbSNP rs376732667, ClinGen allele CA3825660.
Genomic context (GRCh38, chr6:43,521,259, plus strand): 5'-GGGGTGTTGCCACCAGATGTGCTGGTGAGTGAAGCCATCAAAGTACTGATGGGGAAGTGC[C>T]GGCGCTTCTTGGATGAACTAGATGCGGTTCAGATGGACTGAGCTTGGATGCTTCTGAGGC-3'
Protein context (NP_976035.1, residues 324-344): EAIKVLMGKC[Arg334Trp]RFLDELDAVQ

ClinVar aggregate classification (germline): Uncertain significance (1 of 4 stars; one submission).

Allele frequency attached by ClinVar (database versions not stated): ExAC 0.00001; gnomAD exomes 0.00001; TOPMed 0.00002; gnomAD 0.00003; ESP Exome Variant Server 0.00008.

Submission:

Labcorp Genetics (formerly Invitae), Labcorp
Classification: Uncertain significance. Last evaluated: 2022-10-13. Review status: criteria provided, single submitter. Criteria: Invitae Variant Classification Sherloc (09022015). Collection method: clinical testing. Allele origin: germline.
Comment: In summary, the available evidence is currently insufficient to determine the role of this variant in disease. Therefore, it has been classified as a Variant of Uncertain Significance. Advanced modeling of protein sequence and biophysical properties (such as structural, functional, and spatial information, amino acid conservation, physicochemical variation, residue mobility, and thermodynamic stability) performed at Invitae indicates that this missense variant is expected to disrupt POLR1C protein function. This sequence change replaces arginine, which is basic and polar, with tryptophan, which is neutral and slightly polar, at codon 334 of the POLR1C protein (p.Arg334Trp). This variant is present in population databases (rs376732667, gnomAD 0.007%). This variant has not been reported in the literature in individuals affected with POLR1C-related conditions.